The following is an entry in ClinVar:

ClinVar aggregate classification (germline): Pathogenic (1 of 4 stars; one submission).

Conditions:
Vici syndrome (VICIS). Identifiers: Orphanet 1493, MedGen C1855772, MONDO:0009452, OMIM 242840.

Submission:

Labcorp Genetics (formerly Invitae), Labcorp
Classification: Pathogenic for Vici syndrome. Last evaluated: 2025-11-28. Review status: criteria provided, single submitter. Criteria: Invitae Variant Classification Sherloc (09022015). Collection method: clinical testing. Allele origin: germline.
Comment: This sequence change creates a premature translational stop signal (p.Gln2341*) in the EPG5 gene. It is expected to result in an absent or disrupted protein product. Loss-of-function variants in EPG5 are known to be pathogenic (PMID: 23222957, 23674064, 40192014). This variant is not present in population databases (gnomAD no frequency). This variant has not been reported in the literature in individuals affected with EPG5-related conditions. Algorithms developed to predict the effect of sequence changes on RNA splicing suggest that this variant may disrupt the consensus splice site. For these reasons, this variant has been classified as Pathogenic.

Literature cited by the submitters: PubMed 23222957; PubMed 23674064; PubMed 40192014.

NM_020964.3(EPG5):c.7021C>T (p.Gln2341Ter)

Gene: EPG5 (ectopic P-granules 5 autophagy tethering factor; minus strand). Cytogenetic location: 18q12.3.
Variant type: single nucleotide variant.
Coding change: c.7021C>T on transcript NM_020964.3 (MANE Select); coding-DNA position 7021, C replaced by T.
Protein change: p.Gln2341Ter; replaces glutamine 2341 with a stop codon.
Molecular consequence: nonsense.
Genome position (GRCh38, 1-based): chr18:45,858,771, G>A on the plus strand (C>T on the coding strand, the complement: EPG5 is on the minus strand). VCF-style: chr18-45858771-G-A. GRCh37 (hg19) VCF-style: chr18-43438736-G-A.
Other names: c.7021C>T, p.Gln2341Ter (NM_001410858.1); c.7018C>T, p.Gln2340Ter (NM_001410859.1); short protein forms Q2341*, Q2340*.
Identifiers: ClinVar variation 4745769 (VCV004745769.1).